The following is an entry in ClinVar:

NM_002485.5(NBN):c.949A>T (p.Met317Leu)

Gene: NBN (nibrin; minus strand). Cytogenetic location: 8q21.3.
Variant type: single nucleotide variant.
Coding change: c.949A>T on transcript NM_002485.5 (MANE Select); coding-DNA position 949, A replaced by T.
Protein change: p.Met317Leu; replaces methionine 317 with leucine.
Molecular consequence: missense variant.
Genome position (GRCh38, 1-based): chr8:89,964,455, T>A on the plus strand (A>T on the coding strand, the complement: NBN is on the minus strand). VCF-style: chr8-89964455-T-A. GRCh37 (hg19) VCF-style: chr8-90976683-T-A.
Other names: c.703A>T, p.Met235Leu (NM_001024688.3); short protein forms M317L, M235L.
Identifiers: ClinVar variation 492135 (VCV000492135.15), dbSNP rs587782502, ClinGen allele CA371656983.
Genomic context (GRCh38, chr8:89,964,455, plus strand): 5'-TAATGCTTCAATTACCTGTACTGGGATGGCCCTGAGGATCACAGTAATTCTTTGTAGTCA[T>A]GAAAATCACCGCCAATCCAATTTCTGCTTCAGGAATAGGTCTAAGACCTTGCCTATTAGA-3'
Protein context (NP_002476.2, residues 307-327): EAEIGLAVIF[Met317Leu]TTKNYCDPQG

ClinVar aggregate classification (germline): Uncertain significance. Review status: criteria provided, multiple submitters, no conflicts (2 of 4 stars). 2 submissions from 2 submitters: Uncertain significance (2). Last evaluated 2025-03-07.

Conditions:
Microcephaly, normal intelligence and immunodeficiency (NBS). Also called: BERLIN BREAKAGE SYNDROME; Ataxia telangiectasia variant V1; IMMUNODEFICIENCY, MICROCEPHALY, AND CHROMOSOMAL INSTABILITY; SEEMANOVA SYNDROME II; Immunodeficiency, microcephaly with normal intelligence; Nijmegen breakage syndrome. Identifiers: Orphanet 647, MedGen C0398791, MONDO:0009623, OMIM 251260.

Submissions (2):

Labcorp Genetics (formerly Invitae), Labcorp
Classification: Uncertain significance for Microcephaly, normal intelligence and immunodeficiency. Last evaluated: 2025-03-07. Review status: criteria provided, single submitter. Criteria: Invitae Variant Classification Sherloc (09022015). Collection method: clinical testing. Allele origin: germline.
Comment: This sequence change replaces methionine, which is neutral and non-polar, with leucine, which is neutral and non-polar, at codon 317 of the NBN protein (p.Met317Leu). This variant is not present in population databases (gnomAD no frequency). This variant has not been reported in the literature in individuals affected with NBN-related conditions. ClinVar contains an entry for this variant (Variation ID: 492135). An algorithm developed to predict the effect of missense changes on protein structure and function (PolyPhen-2) suggests that this variant is likely to be tolerated. In summary, the available evidence is currently insufficient to determine the role of this variant in disease. Therefore, it has been classified as a Variant of Uncertain Significance.

Genome-Nilou Lab
Classification: Uncertain significance for Microcephaly, normal intelligence and immunodeficiency. Last evaluated: 2021-11-07. Review status: criteria provided, single submitter. Criteria: ACMG Guidelines, 2015. Collection method: clinical testing. Allele origin: germline. Affected: no.